The following is an entry in ClinVar:

NM_001291303.3(FAT4):c.1811T>G (p.Met604Arg)

Gene: FAT4 (FAT atypical cadherin 4; plus strand). Cytogenetic location: 4q28.1.
Variant type: single nucleotide variant.
Coding change: c.1811T>G on transcript NM_001291303.3 (MANE Select); coding-DNA position 1811, T replaced by G.
Protein change: p.Met604Arg; replaces methionine 604 with arginine.
Molecular consequence: missense variant.
Genome position (GRCh38, 1-based): chr4:125,318,222, T>G. VCF-style: chr4-125318222-T-G. GRCh37 (hg19) VCF-style: chr4-126239377-T-G.
Other names: c.1811T>G (NM_024582.4); c.1811T>G, p.Met604Arg (NM_001291285.3, NM_024582.6); short protein forms M604R.
Identifiers: ClinVar variation 1379953 (VCV001379953.5), dbSNP rs376751408, ClinGen allele CA3072054.
Genomic context (GRCh38, chr4:125,318,222, plus strand): 5'-AGCCAGAAGGGTATGATGTGTCTGTGGTTGAGAATGCCCCAACAGGGACAGAACTGTTGA[T>G]GCTCAGGGCAACTGACGGGGACCTGGGTGACAACGGAACAGTGCGCTTCTCCTTACAAGA-3'
Protein context (NP_001278232.1, residues 594-614): ENAPTGTELL[Met604Arg]LRATDGDLGD

ClinVar aggregate classification (germline): Uncertain significance. Review status: criteria provided, multiple submitters, no conflicts (2 of 4 stars). 3 submissions from 3 submitters: Uncertain significance (3). Last evaluated 2026-02-10.

Conditions:
Van Maldergem syndrome 2 (VMLDS2). Identifiers: Orphanet 314679, MedGen C3809875, MONDO:0014242, OMIM 615546.
Hennekam lymphangiectasia-lymphedema syndrome 2 (HKLLS2). Identifiers: Orphanet 2136, MedGen C4014939, MONDO:0014454, OMIM 616006.
Inborn genetic diseases. Identifiers: MedGen C0950123, MeSH D030342.

Allele frequency attached by ClinVar (database versions not stated): gnomAD exomes 0.00001 and 0.00005; gnomAD 0.00003; TOPMed 0.00003; ExAC 0.00004; 1000 Genomes Project 30x 0.00078; 1000 Genomes Project 0.00080.

Submissions (3):

Clinical Genomics Laboratory, Washington University in St. Louis
Classification: Uncertain significance for Van Maldergem syndrome 2; Hennekam lymphangiectasia-lymphedema syndrome 2. Last evaluated: 2026-02-10. Review status: criteria provided, single submitter. Criteria: ACMG Guidelines, 2015. Collection method: clinical testing. Allele origin: germline.
Comment: A FAT4 c.1811T>G (p.Met604Arg) variant was identified at a near heterozygous allelic fraction of 48.9%, a frequency which may be consistent with germline origin. This variant, to our knowledge, has not been reported in the medical literature. It has been reported in the ClinVar database as a germline variant of uncertain significance by two submitters (ClinVar Variation ID: 1379953). It is only observed on 28/1,614,202 alleles in the general population (gnomAD v4.1.0), indicating it is not a common variant. Computational predictors suggest that the variant does not impact FAT4 function. Due to limited information, and based on ACMG/AMP guidelines for variant interpretation (Richards S et al., PMID: 25741868), the clinical significance of this variant is uncertain at this time.

Labcorp Genetics (formerly Invitae), Labcorp
Classification: Uncertain significance. Last evaluated: 2022-08-16. Review status: criteria provided, single submitter. Criteria: Invitae Variant Classification Sherloc (09022015). Collection method: clinical testing. Allele origin: germline.
Comment: This sequence change replaces methionine, which is neutral and non-polar, with arginine, which is basic and polar, at codon 604 of the FAT4 protein (p.Met604Arg). This variant is present in population databases (rs376751408, gnomAD 0.05%). This variant has not been reported in the literature in individuals affected with FAT4-related conditions. ClinVar contains an entry for this variant (Variation ID: 1379953). Advanced modeling of protein sequence and biophysical properties (such as structural, functional, and spatial information, amino acid conservation, physicochemical variation, residue mobility, and thermodynamic stability) performed at Invitae indicates that this missense variant is not expected to disrupt FAT4 protein function. In summary, the available evidence is currently insufficient to determine the role of this variant in disease. Therefore, it has been classified as a Variant of Uncertain Significance.

Ambry Genetics
Classification: Uncertain significance for Inborn genetic diseases. Last evaluated: 2021-07-15. Review status: criteria provided, single submitter. Criteria: Ambry Variant Classification Scheme 2023. Collection method: clinical testing. Allele origin: germline.

Literature cited by the submitters: uncertain (cited by Clinical Genomics Laboratory, Washington University in St. Louis).